The following is an entry in ClinVar:

ClinVar aggregate classification (germline): Pathogenic (0 of 4 stars; one submission).

Conditions:
DMD-related disorder. Also called: DMD-related condition.

Submission:

PreventionGenetics, part of Exact Sciences
Classification: Pathogenic for DMD-related condition. Last evaluated: 2024-02-09. Review status: no assertion criteria provided. Collection method: clinical testing. Allele origin: germline.
Comment: The DMD c.3651dupT variant is predicted to result in a frameshift and premature protein termination (p.Thr1218Tyrfs*2). To our knowledge, this variant has not been reported in the literature or in a large population database, indicating this variant is rare. Frameshift variants in DMD are expected to be pathogenic. This variant is interpreted as pathogenic.

NM_004006.3(DMD):c.3651dup (p.Thr1218fs)

Gene: DMD (dystrophin; minus strand). Cytogenetic location: Xp21.1.
Variant type: Duplication.
Coding change: c.3651dup on transcript NM_004006.3 (MANE Select); coding-DNA position 3651, one base duplicated (T; older notation c.3651dupT).
Protein change: p.Thr1218fs; shifts the reading frame from threonine 1218.
Molecular consequence: frameshift variant.
Genome position (GRCh38, 1-based): chrX:32,448,591, A duplicated on the plus strand (T on the coding strand, the reverse complement: DMD is on the minus strand); the first of 2 consecutive A bases (chrX:32,448,591-32,448,592); duplicating either gives the same sequence. VCF-style (leftmost placement, unchanged base first): chrX-32448590-T-TA. GRCh37 (hg19) VCF-style: chrX-32466707-T-TA.
Other names: c.3627dup, p.Thr1210fs (NM_000109.4); c.3639dup, p.Thr1214fs (NM_004009.3); c.3282dup, p.Thr1095fs (NM_004010.3); c.3651dupT (NM_004006.2); short protein forms T1095fs, T1210fs, T1214fs, T1218fs.
Identifiers: ClinVar variation 3061386 (VCV003061386.2), dbSNP rs2524245571, ClinGen allele CA2740092085.
Genomic context (GRCh38, chrX:32,448,590, plus strand): 5'-TTTTTAAGGCCTCTTGTGCTACAGGTGGAGCTTGAGCTATGACACTATTTACAGACTCAG[T>TA]AAGGAGTTTCACTTTCGCTTCTTTTTGTTGGGCCTCTTCTTTAGCTCTCTGAAAAATAAA-3'